The following is an entry in ClinVar:

ClinVar aggregate classification (germline): Uncertain significance. Review status: criteria provided, multiple submitters, no conflicts (2 of 4 stars). 2 submissions from 2 submitters: Uncertain significance (2). Last evaluated 2024-08-28.

Conditions:
Inborn genetic diseases. Identifiers: MedGen C0950123, MeSH D030342.

Allele frequency attached by ClinVar (database versions not stated): ExAC 0.00001; gnomAD 0.00001; TOPMed 0.00002; ESP Exome Variant Server 0.00015.
gnomAD v4.1: 20 of 1,613,970 alleles (0.0012%); highest among the groups gnomAD compares: Non-Finnish European, 0.0017%; no homozygotes.

Submissions (2):

Ambry Genetics
Classification: Uncertain significance for Inborn genetic diseases. Last evaluated: 2024-08-28. Review status: criteria provided, single submitter. Criteria: Ambry Variant Classification Scheme 2023. Collection method: clinical testing. Allele origin: germline.

Labcorp Genetics (formerly Invitae), Labcorp
Classification: Uncertain significance. Last evaluated: 2023-05-08. Review status: criteria provided, single submitter. Criteria: Invitae Variant Classification Sherloc (09022015). Collection method: clinical testing. Allele origin: germline.
Comment: ClinVar contains an entry for this variant (Variation ID: 1430496). This variant has not been reported in the literature in individuals affected with TRAF3IP1-related conditions. This variant is not present in population databases (gnomAD no frequency). This sequence change replaces alanine, which is neutral and non-polar, with serine, which is neutral and polar, at codon 431 of the TRAF3IP1 protein (p.Ala431Ser). Advanced modeling of protein sequence and biophysical properties (such as structural, functional, and spatial information, amino acid conservation, physicochemical variation, residue mobility, and thermodynamic stability) performed at Invitae indicates that this missense variant is not expected to disrupt TRAF3IP1 protein function. In summary, the available evidence is currently insufficient to determine the role of this variant in disease. Therefore, it has been classified as a Variant of Uncertain Significance.

NM_015650.4(TRAF3IP1):c.1291G>T (p.Ala431Ser)

Gene: TRAF3IP1 (TRAF3 interacting protein 1; plus strand). Cytogenetic location: 2q37.3.
Variant type: single nucleotide variant.
Coding change: c.1291G>T on transcript NM_015650.4 (MANE Select); coding-DNA position 1291, G replaced by T.
Protein change: p.Ala431Ser; replaces alanine 431 with serine.
Molecular consequence: missense variant.
Genome position (GRCh38, 1-based): chr2:238,348,772, G>T. VCF-style: chr2-238348772-G-T. GRCh37 (hg19) VCF-style: chr2-239257413-G-T.
Other names: c.1093G>T, p.Ala365Ser (NM_001139490.1); c.1291G>T (NM_015650.3); short protein forms A365S, A431S.
Identifiers: ClinVar variation 1430496 (VCV001430496.8), dbSNP rs140386445, ClinGen allele CA2198404.
Genomic context (GRCh38, chr2:238,348,772, plus strand): 5'-TATCTATGTGTGTTTTCCTTTGTGAATTGCTAATTGATTGTCATTTGTTTAGAAGGAGAT[G>T]CTGGACCTGCTGGCCAAGATAAGTCTGAGGTGCCAGAGACTCCAGAAATTCCTAATGAGC-3'
Protein context (NP_056465.2, residues 421-441): GDSTSDAEGD[Ala431Ser]GPAGQDKSEV